The following is an entry in ClinVar:

ClinVar aggregate classification (germline): Uncertain significance (1 of 4 stars; one submission).

Submission:

Ambry Genetics
Classification: Uncertain significance. Last evaluated: 2023-12-04. Review status: criteria provided, single submitter. Criteria: Ambry Variant Classification Scheme 2023. Collection method: clinical testing. Allele origin: germline.
Comment: The p.D18E variant (also known as c.54T>A), located in coding exon 1 of the MNDA gene, results from a T to A substitution at nucleotide position 54. The aspartic acid at codon 18 is replaced by glutamic acid, an amino acid with highly similar properties. This amino acid position is conserved. In addition, this alteration is predicted to be tolerated by in silico analysis. Since supporting evidence is limited at this time, the clinical significance of this alteration remains unclear.

NM_002432.3(MNDA):c.54T>A (p.Asp18Glu)

Gene: MNDA (myeloid cell nuclear differentiation antigen; plus strand). Cytogenetic location: 1q23.1.
Variant type: single nucleotide variant.
Coding change: c.54T>A on transcript NM_002432.3 (MANE Select); coding-DNA position 54, T replaced by A.
Protein change: p.Asp18Glu; replaces aspartic acid 18 with glutamic acid.
Molecular consequence: missense variant.
Genome position (GRCh38, 1-based): chr1:158,842,207, T>A. VCF-style: chr1-158842207-T-A. GRCh37 (hg19) VCF-style: chr1-158811997-T-A.
Other names: short protein forms D18E.
Identifiers: ClinVar variation 1747968 (VCV001747968.2), dbSNP rs1558056521, ClinGen allele CA343036424.